The following is an entry in ClinVar:

ClinVar aggregate classification (germline): Likely pathogenic (1 of 4 stars; one submission).

Conditions:
Renal tubular acidosis with progressive nerve deafness. Also called: renal tubular acidosis, distal, 2, with progressive sensorineural hearing loss; Distal Renal Tubular Acidosis with Progressive Sensorineural Deafness; RENAL TUBULAR ACIDOSIS, AUTOSOMAL RECESSIVE, WITH PROGRESSIVE NERVE DEAFNESS; RTA WITH PROGRESSIVE NERVE DEAFNESS. Identifiers: MedGen C0403554, MONDO:0009968, OMIM 267300.

Submission:

Juno Genomics, Hangzhou Juno Genomics, Inc
Classification: Likely pathogenic for Renal tubular acidosis with progressive nerve deafness. Review status: criteria provided, single submitter. Criteria: ACMG Guidelines, 2015. Collection method: clinical testing. Allele origin: germline.
Comment: Null variant in a gene where loss of function (LOF) is a known mechanism of disease.;Absent from controls (or at extremely low frequency if recessive) in Genome Aggregation Database.

NM_001692.4(ATP6V1B1):c.1061-1G>C

Gene: ATP6V1B1 (ATPase H+ transporting V1 subunit B1; plus strand). Cytogenetic location: 2p13.3.
Variant type: single nucleotide variant.
Coding change: c.1061-1G>C on transcript NM_001692.4 (MANE Select); the canonical splice acceptor site of the intron before coding-DNA position 1061, G replaced by C.
Molecular consequence: splice acceptor variant.
Genome position (GRCh38, 1-based): chr2:70,963,571, G>C. VCF-style: chr2-70963571-G-C. GRCh37 (hg19) VCF-style: chr2-71190701-G-C.
Identifiers: ClinVar variation 5006322 (VCV005006322.2).